The following is an entry in ClinVar:

ClinVar aggregate classification (germline): Conflicting classifications of pathogenicity. Review status: criteria provided, conflicting classifications (1 of 4 stars). 7 submissions from 7 submitters: Pathogenic (4); Likely pathogenic (1); Uncertain significance (2). Last evaluated 2025-11-12.

Conditions:
Metachromatic leukodystrophy (MLD). Also called: Cerebral sclerosis diffuse metachromatic form; Arylsulfatase A Deficiency; SULFATIDE LIPIDOSIS; ARSA DEFICIENCY; CEREBROSIDE SULFATASE DEFICIENCY; METACHROMATIC LEUKOENCEPHALOPATHY. Identifiers: Orphanet 512, MedGen C0023522, MONDO:0018868, OMIM 250100.

Allele frequency attached by ClinVar (database versions not stated): gnomAD 0.00001; ESP Exome Variant Server 0.00008; gnomAD exomes 0.00001; TOPMed 0.00001.

Submissions (8):

Natera, Inc.
Classification: Pathogenic for Metachromatic leukodystrophy. Last evaluated: 2025-11-12. Review status: criteria provided, single submitter. Criteria: Natera Variant Classification Schema (03/2026). Collection method: clinical testing. Allele origin: germline.
Comment: The c.640G>A variant in ARSA is a missense variant predicted to cause substitution of alanine to threonine at amino acid 214. This variant is rare in the general population with a frequency below the threshold expected for the associated phenotype(s). This variant has been observed in one or more individuals affected with the associated recessive disease, as either homozygous or compound heterozygous with a second variant (PMID: 39766783, 40063902, 36240581). A different variant at the same position has been determined to be Pathogenic or Likely Pathogenic. Computational prediction algorithms indicate this variant is likely to affect gene or protein function. Given the available evidence, this variant is classified as Pathogenic.

Genetics Department, Hospital Ramon y Cajal-IRYCIS
Classification: Pathogenic for Metachromatic leukodystrophy. Last evaluated: 2024-09-20. Review status: criteria provided, single submitter. Criteria: ACMG Guidelines, 2015. Collection method: research. Allele origin: biparental. Inheritance: Autosomal recessive inheritance. Affected: yes. Observed: 2 variant alleles.
Comment: Variant c.640G>A (p.Ala214Thr) was evaluated according to ACMG/AMP guidelines and classified as likely pathogenic : PM1, PM2, PM5. The variant is located in a mutational hotspot without benign variation (PM1), it was identified at very low frequency in the gnomAD or 1000 Genome databases (PM2). The variant also is a novel missense change at an amino acid residue where a different pathogenic missense change has been reported (ClinVar variant RCV001380269.7). In addition, it has been previously reported as pathogenic in trans with another pathogenic allele, c.893G>T (p.Gly298Val) (PMID:30057904).

Labcorp Genetics (formerly Invitae), Labcorp
Classification: Pathogenic for Metachromatic leukodystrophy. Last evaluated: 2024-08-11. Review status: criteria provided, single submitter. Criteria: Invitae Variant Classification Sherloc (09022015). Collection method: clinical testing. Allele origin: germline.
Comment: This sequence change replaces alanine, which is neutral and non-polar, with threonine, which is neutral and polar, at codon 214 of the ARSA protein (p.Ala214Thr). This variant is present in population databases (rs199476341, gnomAD 0.003%). This missense change has been observed in individual(s) with metachromatic leukodystrophy (PMID: 30057904). ClinVar contains an entry for this variant (Variation ID: 196275). Advanced modeling of protein sequence and biophysical properties (such as structural, functional, and spatial information, amino acid conservation, physicochemical variation, residue mobility, and thermodynamic stability) performed at Invitae indicates that this missense variant is expected to disrupt ARSA protein function with a positive predictive value of 95%. This variant disrupts the p.Ala214 amino acid residue in ARSA. Other variant(s) that disrupt this residue have been determined to be pathogenic (PMID: 7906588, 9090526, 9192271, 14517960). This suggests that this residue is clinically significant, and that variants that disrupt this residue are likely to be disease-causing. For these reasons, this variant has been classified as Pathogenic.

3billion
Classification: Pathogenic for Metachromatic leukodystrophy. Last evaluated: 2024-07-07. Review status: criteria provided, single submitter. Criteria: ACMG Guidelines, 2015. Collection method: clinical testing. Allele origin: germline. Affected: yes.
Comment: The variant is observed at an extremely low frequency in the gnomAD v4.0.0 dataset (total allele frequency: <0.001%). Predicted Consequence/Location: Missense variant In silico tool predictions suggest damaging effect of the variant on gene or gene product [REVEL: 0.86 (>=0.6, sensitivity 0.68 and specificity 0.92); 3Cnet: 1.00 (>=0.6, sensitivity 0.72 and precision 0.9)]. The same nucleotide change resulting in the same amino acid change has been previously reported as pathogenic/likely pathogenic with strong evidence (ClinVar ID: VCV001506952).Different missense changes at the same codon (p.Asp257Asn, p.Asp257His, p.Asp257Val) have been reported as pathogenic/likely pathogenic with strong evidence (ClinVar ID: VCV000021187, VCV002122916, VCV002999447 /PMID: 8982952). Therefore, this variant is classified as Pathogenic according to the recommendation of ACMG/AMP guideline.

Women's Health and Genetics/Laboratory Corporation of America, LabCorp
Classification: Likely pathogenic for Metachromatic leukodystrophy. Last evaluated: 2024-06-13. Review status: criteria provided, single submitter. Criteria: LabCorp Variant Classification Summary - May 2015. Collection method: clinical testing. Allele origin: germline.
Comment: Variant summary: ARSA c.640G>A (p.Ala214Thr) results in a non-conservative amino acid change located in the sulfatase, N-terminal domain (IPR000917) of the encoded protein sequence. Three of four in-silico tools predict a damaging effect of the variant on protein function. The variant allele was found at a frequency of 8e-06 in 250630 control chromosomes. c.640G>A has been reported in the literature in the compound heterozygous state in individuals affected with Metachromatic Leukodystrophy (e.g. Chen_2018, Santhanakumaran_2022). These data indicate that the variant may be associated with disease. A different variant affecting the same codon has been classified as pathogenic by our lab (c.641C>T, p.Ala214Val), supporting the critical relevance of codon 214 to ARSA protein function. To our knowledge, no experimental evidence demonstrating an impact on protein function has been reported. The following publications have been ascertained in the context of this evaluation (PMID: 30057904, 36240581). ClinVar contains an entry for this variant (Variation ID: 196275). Based on the evidence outlined above, the variant was classified as likely pathogenic.

GeneDx
Classification: Uncertain significance. Last evaluated: 2022-09-13. Review status: criteria provided, single submitter. Criteria: GeneDx Variant Classification Process June 2021. Collection method: clinical testing. Allele origin: germline. Affected: yes.
Comment: Reported in a patient with metachromatic leukodystrophy who also harbors a missense variant on the opposite allele (in trans) (Chen et al., 2018); In silico analysis supports that this missense variant does not alter protein structure/function; Not observed at significant frequency in large population cohorts (gnomAD); This variant is associated with the following publications: (PMID: 30057904)

Eurofins Ntd Llc (ga)
Classification: Uncertain significance. Last evaluated: 2016-10-27. Review status: criteria provided, single submitter. Criteria: EGL Classification Definitions 2015. Collection method: clinical testing. Allele origin: germline. Observed: 1 variant allele, 1 homozygote.

Gelb Laboratory, University of Washington
No classification provided (evidence only). Condition: Metachromatic leukodystrophy. Review status: no classification provided. Collection method: in vitro. Allele origin: not applicable. Functional consequence: loss of function. Not counted in ClinVar's aggregate classification.

Literature cited by the submitters: PubMed 39766783 (cited by Natera, Inc.); PubMed 40063902 (cited by Natera, Inc.); PubMed 36240581 (cited by Natera, Inc. and Women's Health and Genetics/Laboratory Corporation of America, LabCorp); DOI 10.3390/genes15121515 (cited by Genetics Department, Hospital Ramon y Cajal-IRYCIS); PubMed 30057904 (cited by 4 submitters); PubMed 7906588 (cited by Labcorp Genetics (formerly Invitae), Labcorp); PubMed 9090526 (cited by Labcorp Genetics (formerly Invitae), Labcorp); PubMed 9192271 (cited by Labcorp Genetics (formerly Invitae), Labcorp); PubMed 14517960 (cited by Labcorp Genetics (formerly Invitae), Labcorp); PubMed 18786133 (cited by 3billion).

NM_000487.6(ARSA):c.640G>A (p.Ala214Thr)

Gene: ARSA (arylsulfatase A; minus strand). Cytogenetic location: 22q13.33.
Variant type: single nucleotide variant.
Coding change: c.640G>A on transcript NM_000487.6 (MANE Select); coding-DNA position 640, G replaced by A.
Protein change: p.Ala214Thr; replaces alanine 214 with threonine.
Molecular consequence: missense variant.
Genome position (GRCh38, 1-based): chr22:50,626,878, C>T on the plus strand (G>A on the coding strand, the complement: ARSA is on the minus strand). VCF-style: chr22-50626878-C-T. GRCh37 (hg19) VCF-style: chr22-51065306-C-T.
Other names: c.640G>A, p.Ala214Thr (NM_001085425.3, NM_001085426.3, NM_001085427.3); c.382G>A, p.Ala128Thr (NM_001085428.3, NM_001362782.2); c.640G>A (NM_000487.5); short protein forms A214T, A128T.
Identifiers: ClinVar variation 196275 (VCV000196275.17), dbSNP rs199476341, ClinGen allele CA243175.